The following is an entry in ClinVar:

ClinVar aggregate classification (germline): Uncertain significance (1 of 4 stars; one submission).

Conditions:
Muscular dystrophy, limb-girdle, autosomal recessive 27. Identifiers: MedGen C5562002, MONDO:0030456, OMIM 619566.

Submission:

Kariminejad - Najmabadi Pathology & Genetics Center
Classification: Uncertain significance for Muscular dystrophy, limb-girdle, autosomal recessive 27. Last evaluated: 2023-02-09. Review status: criteria provided, single submitter. Criteria: ACMG Guidelines, 2015. Collection method: clinical testing. Allele origin: germline. Inheritance: Autosomal recessive inheritance. Affected: yes.
Comment: PM2_moderate,PP3_moderate

NM_002226.5(JAG2):c.2419G>A (p.Gly807Ser)

Gene: JAG2 (jagged canonical Notch ligand 2; minus strand). Cytogenetic location: 14q32.33.
Variant type: single nucleotide variant.
Coding change: c.2419G>A on transcript NM_002226.5 (MANE Select); coding-DNA position 2419, G replaced by A.
Protein change: p.Gly807Ser; replaces glycine 807 with serine.
Molecular consequence: missense variant.
Genome position (GRCh38, 1-based): chr14:105,147,386, C>T on the plus strand (G>A on the coding strand, the complement: JAG2 is on the minus strand). VCF-style: chr14-105147386-C-T. GRCh37 (hg19) VCF-style: chr14-105613723-C-T.
Other names: c.2305G>A, p.Gly769Ser (NM_145159.3); short protein forms G769S, G807S.
Identifiers: ClinVar variation 3896886 (VCV003896886.1).
Genomic context (GRCh38, chr14:105,147,386, plus strand): 5'-TGATGCGGCAGTCAGGCCCCGCGAAGCCAGGTGCACACTCGCAGCGGAACCAGTTGACGC[C>T]GTCAACACAGATGCCACCATTGTAGCTGCAGAGCAGAGGGTGGGCATCAGGTGGCCCCCC-3'
Protein context (NP_002217.3, residues 797-817): PCYNGGICVD[Gly807Ser]VNWFRCECAP